The following is an entry in ClinVar:

ClinVar aggregate classification (germline): Likely benign. Review status: criteria provided, multiple submitters, no conflicts (2 of 4 stars). 2 submissions from 2 submitters: Likely benign (2). Last evaluated 2024-12-09.

Conditions:
Temtamy preaxial brachydactyly syndrome (TPBS). Identifiers: Orphanet 363417, MedGen C1854466, MONDO:0011533, OMIM 605282.

gnomAD v4.1: 8 of 1,614,050 alleles (0.0005%); highest among the groups gnomAD compares: East Asian, 0.0022%; no homozygotes.

Submissions (2):

Labcorp Genetics (formerly Invitae), Labcorp
Classification: Likely benign for Temtamy preaxial brachydactyly syndrome. Last evaluated: 2024-12-09. Review status: criteria provided, single submitter. Criteria: Invitae Variant Classification Sherloc (09022015). Collection method: clinical testing. Allele origin: germline.

Mayo Clinic Laboratories, Mayo Clinic
Classification: Likely benign. Last evaluated: 2024-11-04. Review status: criteria provided, single submitter. Criteria: ACMG Guidelines, 2015. Collection method: clinical testing. Allele origin: germline. Observed: 1 variant allele.
Comment: BP4, BP7

NM_014918.5(CHSY1):c.1542C>T (p.Leu514=)

Gene: CHSY1 (chondroitin sulfate synthase 1; minus strand). Cytogenetic location: 15q26.3.
Variant type: single nucleotide variant.
Coding change: c.1542C>T on transcript NM_014918.5 (MANE Select); coding-DNA position 1542, C replaced by T.
Protein change: p.Leu514=; no amino-acid change (leucine 514 retained).
Molecular consequence: synonymous variant.
Genome position (GRCh38, 1-based): chr15:101,178,255, G>A on the plus strand (C>T on the coding strand, the complement: CHSY1 is on the minus strand). VCF-style: chr15-101178255-G-A. GRCh37 (hg19) VCF-style: chr15-101718460-G-A.
Other names: p.Leu514=.
Identifiers: ClinVar variation 3708289 (VCV003708289.3).